The following is an entry in ClinVar:

ClinVar aggregate classification (germline): Likely pathogenic. Review status: criteria provided, multiple submitters, no conflicts (2 of 4 stars). 3 submissions from 3 submitters: Likely pathogenic (3). Last evaluated 2024-01-18.

Conditions:
Agenesis of the corpus callosum with peripheral neuropathy (ACCPN). Also called: Hereditary Motor and Sensory Neuropathy with Agenesis of the Corpus Callosum; HMSN/ACC; CHARLEVOIX DISEASE; POLYNEUROPATHY, SENSORIMOTOR, WITH OR WITHOUT AGENESIS OF THE CORPUS CALLOSUM. Identifiers: Orphanet 1496, MedGen C0795950, MONDO:0000902, OMIM 218000. Disease mechanism: loss of function.

Allele frequency attached by ClinVar (database versions not stated): gnomAD exomes below 0.00001.
gnomAD v4.1: 1 of 1,612,258 alleles (0.000062%); highest among the groups gnomAD compares: Non-Finnish European, 0.000085%; no homozygotes.

Submissions (3):

GeneDx
Classification: Likely pathogenic. Last evaluated: 2024-01-18. Review status: criteria provided, single submitter. Criteria: GeneDx Variant Classification Process June 2021. Collection method: clinical testing. Allele origin: germline. Affected: yes.
Comment: Canonical splice site variant predicted to result in a null allele in a gene for which loss of function is a known mechanism of disease; Not observed at significant frequency in large population cohorts (gnomAD); Has not been previously published as pathogenic or benign to our knowledge

Labcorp Genetics (formerly Invitae), Labcorp
Classification: Likely pathogenic. Last evaluated: 2023-11-11. Review status: criteria provided, single submitter. Criteria: Invitae Variant Classification Sherloc (09022015). Collection method: clinical testing. Allele origin: germline.
Comment: This sequence change affects a donor splice site in intron 1 of the SLC12A6 gene. It is expected to disrupt RNA splicing. Variants that disrupt the donor or acceptor splice site typically lead to a loss of protein function (PMID: 16199547), and loss-of-function variants in SLC12A6 are known to be pathogenic (PMID: 12368912, 16606917). This variant is not present in population databases (gnomAD no frequency). This variant has not been reported in the literature in individuals affected with SLC12A6-related conditions. Algorithms developed to predict the effect of sequence changes on RNA splicing suggest that this variant may disrupt the consensus splice site. In summary, the currently available evidence indicates that the variant is pathogenic, but additional data are needed to prove that conclusively. Therefore, this variant has been classified as Likely Pathogenic.

Baylor Genetics
Classification: Likely pathogenic for Agenesis of the corpus callosum with peripheral neuropathy. Last evaluated: 2023-02-21. Review status: criteria provided, single submitter. Criteria: ACMG Guidelines, 2015. Collection method: clinical testing. Allele origin: unknown.

Literature cited by the submitters: PubMed 16199547 (cited by Labcorp Genetics (formerly Invitae), Labcorp); PubMed 12368912 (cited by Labcorp Genetics (formerly Invitae), Labcorp); PubMed 16606917 (cited by Labcorp Genetics (formerly Invitae), Labcorp).

NM_001365088.1(SLC12A6):c.271+2T>C

Gene: SLC12A6 (solute carrier family 12 member 6; minus strand). Cytogenetic location: 15q14.
Variant type: single nucleotide variant.
Coding change: c.271+2T>C on transcript NM_001365088.1 (MANE Select); the canonical splice donor site of the intron after coding-DNA position 271, T replaced by C.
Molecular consequence: splice donor variant.
Genome position (GRCh38, 1-based): chr15:34,336,408, A>G on the plus strand (T>C on the coding strand, the complement: SLC12A6 is on the minus strand). VCF-style: chr15-34336408-A-G. GRCh37 (hg19) VCF-style: chr15-34628609-A-G.
Other names: c.94+2T>C (NM_001042495.2, NM_001042494.2); c.244+2T>C (NM_001042496.2); c.271+2T>C (NM_001042497.2, NM_133647.2).
Identifiers: ClinVar variation 2678753 (VCV002678753.5), dbSNP rs1890198564, ClinGen allele CA391621340.
Genomic context (GRCh38, chr15:34,336,408, plus strand): 5'-ATGGTCATCTTGGATAAAGAACCCAGTAATGAAAGTATGCTGCGGTCTGTGTTTCTACTT[A>G]CCCTCGATGACATCCTGGGGGTGAGAAGTCCGGTCACTGGGTGGATCCAGTGCAACAGTT-3'